The following is an entry in ClinVar:

NM_000540.3(RYR1):c.726-12C>G

Gene: RYR1 (ryanodine receptor 1; plus strand). Cytogenetic location: 19q13.2.
Variant type: single nucleotide variant.
Coding change: c.726-12C>G on transcript NM_000540.3 (MANE Select); 12 bases into the intron before coding-DNA position 726, C replaced by G.
Molecular consequence: intron variant.
Genome position (GRCh38, 1-based): chr19:38,446,682, C>G. VCF-style: chr19-38446682-C-G. GRCh37 (hg19) VCF-style: chr19-38937322-C-G.
Other names: c.726-12C>G (NM_001042723.2).
Identifiers: ClinVar variation 2148017 (VCV002148017.5), dbSNP rs757598882, ClinGen allele CA069409.

ClinVar aggregate classification (germline): Conflicting classifications of pathogenicity. Review status: criteria provided, conflicting classifications (1 of 4 stars). 2 submissions from 2 submitters: Uncertain significance (1); Likely benign (1). Last evaluated 2025-01-15.

Conditions:
RYR1-related disorder. Also called: RYR1-related disorders; RYR1-related condition. Identifiers: MedGen CN239331.
Malignant hyperthermia, susceptibility to, 1 (MHS1). Also called: Anesthesia related hyperthermia; Malignant hyperpyrexia; Fulminating hyperpyrexia; Pharmacogenic myopathy; RYR1-Related Malignant Hyperthermia Susceptibility; Malignant hyperthermia suceptibility 1. Identifiers: Orphanet 423, MedGen C2930980, MONDO:0007783, OMIM 145600.

Allele frequency attached by ClinVar (database versions not stated): TOPMed below 0.00001; ExAC 0.00001; gnomAD exomes 0.00004.
gnomAD v4.1: 50 of 1,613,460 alleles (0.0031%); highest among the groups gnomAD compares: Non-Finnish European, 0.0042%; no homozygotes.

Submissions (2):

Labcorp Genetics (formerly Invitae), Labcorp
Classification: Likely benign for RYR1-related disorder. Last evaluated: 2025-01-15. Review status: criteria provided, single submitter. Criteria: Invitae Variant Classification Sherloc (09022015). Collection method: clinical testing. Allele origin: germline.

All of Us Research Program, National Institutes of Health
Classification: Uncertain significance for Malignant hyperthermia, susceptibility to, 1. Last evaluated: 2023-12-13. Review status: criteria provided, single submitter. Criteria: ACMG Guidelines, 2015. Collection method: clinical testing. Allele origin: germline. Inheritance: Autosomal dominant inheritance. Observed: 3 variant alleles, 3 heterozygotes.
Comment: This variant causes a C to G nucleotide substitution at the -12 position of intron 8 of the RYR1 gene. To our knowledge, functional studies have not been reported for this variant. This variant has not been reported in individuals affected with RYR1-related disorders in the literature. This variant has been identified in 2/251290 chromosomes in the general population by the Genome Aggregation Database (gnomAD). The available evidence is insufficient to determine the role of this variant in disease conclusively. Therefore, this variant is classified as a Variant of Uncertain Significance.

This study involves interpretation of variants in research participants for the purpose of population health screening. Participant phenotype was not available at the time of variant classification. Additional details can be found in publication PMID: 35346344, PMCID: PMC8962531